The following is an entry in ClinVar:

ClinVar aggregate classification (germline): Uncertain significance. Review status: criteria provided, multiple submitters, no conflicts (2 of 4 stars). 2 submissions from 2 submitters: Uncertain significance (2). Last evaluated 2025-04-16.

Conditions:
Polycystic kidney disease 3 with or without polycystic liver disease. Also called: Polycystic kidney disease 3; POLYCYSTIC KIDNEY DISEASE, ADULT, TYPE III; Polycystic Kidney and/or Polycystic Liver Disease 3. Identifiers: MedGen C3887964, MONDO:0010916, OMIM 600666.

Submissions (2):

Victorian Clinical Genetics Services, Murdoch Childrens Research Institute
Classification: Uncertain significance for Polycystic kidney disease 3 with or without polycystic liver disease. Last evaluated: 2025-04-16. Review status: criteria provided, single submitter. Criteria: ACMG Guidelines, 2015. Collection method: clinical testing. Allele origin: germline. Affected: yes.
Comment: This variant is classified as VUS-3C. Evidence in support of pathogenic classification: Variant is present in gnomAD <0.001 for a dominant condition (v4: 1 heterozygote(s), 0 homozygote(s)). Evidence in support of benign classification: Missense variant predicted to be tolerated by in silico tool(s) or not conserved in placental mammals with a minor amino acid change. Additional information: Variant is predicted to result in a missense amino acid change from glutamic acid to lysine; This variant is heterozygous; This gene is associated with autosomal dominant disease; Alternative amino acid change(s) at the same position are present in gnomAD (Highest allele count: v4: 56 heterozygote(s), 0 homozygote(s)); This variant has no previous evidence of pathogenicity; No published segregation evidence has been identified for this variant; No published functional evidence has been identified for this variant; No comparable missense variants have previous evidence for pathogenicity; Variant is located in the annotated glycosyl hydrolase 31 N-terminal galactose mutarotase-like domain (DECIPHER); Loss of function is a known mechanism of disease in this gene and is associated with polycystic kidney disease 3 (MIM#600666); Inheritance information for this variant is not currently available in this individual.

Juno Genomics, Hangzhou Juno Genomics, Inc
Classification: Uncertain significance for Polycystic kidney disease 3 with or without polycystic liver disease. Review status: criteria provided, single submitter. Criteria: ACMG Guidelines, 2015. Collection method: clinical testing. Allele origin: germline.
Comment: Absent from controls (or at extremely low frequency if recessive) in Genome Aggregation Database.;Missense variant in a gene that has a low rate of benign missense variation.;Multiple lines of computational evidence suggest no impact on gene or gene product.

NM_198334.3(GANAB):c.430G>A (p.Glu144Lys)

Gene: GANAB (glucosidase II alpha subunit; minus strand). Cytogenetic location: 11q12.3.
Variant type: single nucleotide variant.
Coding change: c.430G>A on transcript NM_198334.3 (MANE Select); coding-DNA position 430, G replaced by A.
Protein change: p.Glu144Lys; replaces glutamic acid 144 with lysine.
Molecular consequence: missense variant. On other transcripts: 5 prime UTR variant (2).
Genome position (GRCh38, 1-based): chr11:62,634,951, C>T on the plus strand (G>A on the coding strand, the complement: GANAB is on the minus strand). VCF-style: chr11-62634951-C-T. GRCh37 (hg19) VCF-style: chr11-62402423-C-T.
Other names: c.88G>A, p.Glu30Lys (NM_001278192.2, NM_001278193.2); c.139G>A, p.Glu47Lys (NM_001278194.2, NM_001329222.2, NM_001329223.2); c.-347G>A (NM_001329224.2, NM_001329225.2); c.430G>A, p.Glu144Lys (NM_198335.4); short protein forms E144K, E30K, E47K.
Identifiers: ClinVar variation 4532096 (VCV004532096.3).